The following is an entry in ClinVar:

NM_000202.8(IDS):c.1285G>A (p.Val429Ile)

Gene: IDS (iduronate 2-sulfatase; minus strand). Cytogenetic location: Xq28.
Variant type: single nucleotide variant.
Coding change: c.1285G>A on transcript NM_000202.8 (MANE Select); coding-DNA position 1285, G replaced by A.
Protein change: p.Val429Ile; replaces valine 429 with isoleucine.
Molecular consequence: missense variant.
Genome position (GRCh38, 1-based): chrX:149,483,114, C>T on the plus strand (G>A on the coding strand, the complement: IDS is on the minus strand). VCF-style: chrX-149483114-C-T. GRCh37 (hg19) VCF-style: chrX-148564645-C-T.
Other names: c.1015G>A, p.Val339Ile (NM_001166550.4); c.1285G>A (NM_000202.7); short protein forms V339I, V429I.
Identifiers: ClinVar variation 870146 (VCV000870146.4), dbSNP rs781916566, ClinGen allele CA10537465.

ClinVar aggregate classification (germline): Uncertain significance. Review status: criteria provided, single submitter (1 of 4 stars). 3 submissions from 3 submitters: Uncertain significance (1). 2 of the submissions do not count toward it. Last evaluated 2025-01-21.

Conditions:
Epidermolysis bullosa simplex with nail dystrophy (EBS5D). Identifiers: MedGen C4225309, MONDO:0014661, OMIM 616487.
IDS-related disorder. Also called: IDS-related condition.
Mucopolysaccharidosis, MPS-II (MPS2). Also called: Attenuated MPS (subtype; formerly known as mild MPS II); Severe MPS II; I2S deficiency; MPS 2; Hunter Syndrome; IDURONATE 2-SULFATASE DEFICIENCY. Identifiers: Orphanet 580, Orphanet 79388, MedGen C0026705, MONDO:0010674, OMIM 309900.

Allele frequency attached by ClinVar (database versions not stated): TOPMed below 0.00001; ExAC 0.00001; gnomAD 0.00001; gnomAD exomes 0.00001.
gnomAD v4.1: 8 of 1,208,260 alleles (0.00066%); highest among the groups gnomAD compares: African/African-American, 0.0018%; no homozygotes.

Submissions (3):

Labcorp Genetics (formerly Invitae), Labcorp
Classification: Uncertain significance for Mucopolysaccharidosis, MPS-II. Last evaluated: 2025-01-21. Review status: criteria provided, single submitter. Criteria: Invitae Variant Classification Sherloc (09022015). Collection method: clinical testing. Allele origin: germline.
Comment: This sequence change replaces valine, which is neutral and non-polar, with isoleucine, which is neutral and non-polar, at codon 429 of the IDS protein (p.Val429Ile). This variant is present in population databases (rs781916566, gnomAD 0.001%). This variant has not been reported in the literature in individuals affected with IDS-related conditions. ClinVar contains an entry for this variant (Variation ID: 870146). Invitae Evidence Modeling of protein sequence and biophysical properties (such as structural, functional, and spatial information, amino acid conservation, physicochemical variation, residue mobility, and thermodynamic stability) indicates that this missense variant is not expected to disrupt IDS protein function with a negative predictive value of 80%. In summary, the available evidence is currently insufficient to determine the role of this variant in disease. Therefore, it has been classified as a Variant of Uncertain Significance.

PreventionGenetics, part of Exact Sciences
Classification: Uncertain significance for IDS-related condition. Last evaluated: 2024-03-23. Review status: no assertion criteria provided. Collection method: clinical testing. Allele origin: germline. Not counted in ClinVar's aggregate classification.
Comment: The IDS c.1285G>A variant is predicted to result in the amino acid substitution p.Val429Ile. To our knowledge, this variant has not been reported in the literature. This variant is reported in 0.0012% of alleles in individuals of European (Non-Finnish) descent in gnomAD. At this time, the clinical significance of this variant is uncertain due to the absence of conclusive functional and genetic evidence.

Department of Molecular Biology and Genetics, Acibadem University
Classification: Uncertain significance for Epidermolysis bullosa simplex with nail dystrophy. Review status: no assertion criteria provided. Collection method: research. Allele origin: unknown. Inheritance: Autosomal recessive inheritance. Affected: yes. Not counted in ClinVar's aggregate classification.